The following is an entry in ClinVar:

NM_001367721.1(CASK):c.2227G>C (p.Val743Leu)

Gene: CASK (calcium/calmodulin dependent serine protein kinase; minus strand). Cytogenetic location: Xp11.4.
Variant type: single nucleotide variant.
Coding change: c.2227G>C on transcript NM_001367721.1 (MANE Select); coding-DNA position 2227, G replaced by C.
Protein change: p.Val743Leu; replaces valine 743 with leucine.
Molecular consequence: missense variant.
Genome position (GRCh38, 1-based): chrX:41,534,902, C>G on the plus strand (G>C on the coding strand, the complement: CASK is on the minus strand). VCF-style: chrX-41534902-C-G. GRCh37 (hg19) VCF-style: chrX-41394155-C-G.
Other names: c.2143G>C, p.Val715Leu (NM_001126054.3); c.2140G>C, p.Val714Leu (NM_001126055.3); c.2209G>C, p.Val737Leu (NM_001410745.1); c.2212G>C, p.Val738Leu (NM_003688.4); short protein forms V738L, V715L, V743L, V714L, V737L.
Identifiers: ClinVar variation 580046 (VCV000580046.18), dbSNP rs759074946, ClinGen allele CA10390060.

ClinVar aggregate classification (germline): Benign/Likely benign. Review status: criteria provided, multiple submitters, no conflicts (2 of 4 stars). 2 submissions from 2 submitters: Benign (1); Likely benign (1). Last evaluated 2026-04-01.

Conditions:
Intellectual disability, CASK-related, X-linked. Identifiers: MedGen CN043158.

Allele frequency attached by ClinVar (database versions not stated): gnomAD 0.00001; gnomAD exomes 0.00002 and 0.00003; TOPMed 0.00002; ExAC 0.00005.
gnomAD v4.1: 31 of 1,186,810 alleles (0.0026%); highest among the groups gnomAD compares: Non-Finnish European, 0.0032%; no homozygotes.

Submissions (2):

CeGaT Center for Human Genetics Tuebingen
Classification: Likely benign. Last evaluated: 2026-04-01. Review status: criteria provided, single submitter. Criteria: CeGaT Center For Human Genetics Tuebingen Variant Classification Criteria Version 2. Collection method: clinical testing. Allele origin: germline. Affected: yes. Observed: 1 variant allele.
Comment: CASK: BS2

Labcorp Genetics (formerly Invitae), Labcorp
Classification: Benign for Intellectual disability, CASK-related, X-linked. Last evaluated: 2025-05-27. Review status: criteria provided, single submitter. Criteria: Invitae Variant Classification Sherloc (09022015). Collection method: clinical testing. Allele origin: germline.